The following is an entry in ClinVar:

NM_001128840.3(CACNA1D):c.831G>C (p.Leu277Phe)

Gene: CACNA1D (calcium voltage-gated channel subunit alpha1 D; plus strand). Cytogenetic location: 3p21.1.
Variant type: single nucleotide variant.
Coding change: c.831G>C on transcript NM_001128840.3 (MANE Select); coding-DNA position 831, G replaced by C.
Protein change: p.Leu277Phe; replaces leucine 277 with phenylalanine.
Molecular consequence: missense variant.
Genome position (GRCh38, 1-based): chr3:53,665,724, G>C. VCF-style: chr3-53665724-G-C. GRCh37 (hg19) VCF-style: chr3-53699751-G-C.
Other names: c.831G>C, p.Leu277Phe (NM_000720.4, NM_001128839.3); short protein forms L277F.
Identifiers: ClinVar variation 3662091 (VCV003662091.2).

ClinVar aggregate classification (germline): Uncertain significance (1 of 4 stars; one submission).

Submission:

Labcorp Genetics (formerly Invitae), Labcorp
Classification: Uncertain significance. Last evaluated: 2024-08-12. Review status: criteria provided, single submitter. Criteria: Invitae Variant Classification Sherloc (09022015). Collection method: clinical testing. Allele origin: germline.
Comment: This sequence change replaces leucine, which is neutral and non-polar, with phenylalanine, which is neutral and non-polar, at codon 277 of the CACNA1D protein (p.Leu277Phe). This variant is not present in population databases (gnomAD no frequency). This variant has not been reported in the literature in individuals affected with CACNA1D-related conditions. Advanced modeling of protein sequence and biophysical properties (such as structural, functional, and spatial information, amino acid conservation, physicochemical variation, residue mobility, and thermodynamic stability) performed at Invitae indicates that this missense variant is expected to disrupt CACNA1D protein function with a positive predictive value of 80%. In summary, the available evidence is currently insufficient to determine the role of this variant in disease. Therefore, it has been classified as a Variant of Uncertain Significance.